The following is an entry in ClinVar:

ClinVar aggregate classification (germline): Uncertain significance. Review status: criteria provided, multiple submitters, no conflicts (2 of 4 stars). 4 submissions from 4 submitters: Uncertain significance (4). Last evaluated 2025-03-25.

Conditions:
Hereditary nonpolyposis colorectal neoplasms. Identifiers: MedGen C0009405, MeSH D003123.
Lynch syndrome 4 (LYNCH4). Also called: Colorectal cancer, hereditary nonpolyposis, type 4; Hereditary non-polyposis colorectal cancer, type 4. Identifiers: Orphanet 144, MedGen C1838333, MONDO:0013699, OMIM 614337. Disease mechanism: loss of function.
Hereditary cancer-predisposing syndrome. Also called: Neoplastic Syndromes, Hereditary; Tumor predisposition; Hereditary Cancer Syndrome; Hereditary neoplastic syndrome. Identifiers: Orphanet 140162, MedGen C0027672, MeSH D009386, MONDO:0015356.

Submissions (4):

Ambry Genetics
Classification: Uncertain significance for Hereditary cancer-predisposing syndrome. Last evaluated: 2025-03-25. Review status: criteria provided, single submitter. Criteria: Ambry Variant Classification Scheme 2023. Collection method: clinical testing. Allele origin: germline.
Comment: The p.S809F variant (also known as c.2426C>T), located in coding exon 14 of the PMS2 gene, results from a C to T substitution at nucleotide position 2426. The serine at codon 809 is replaced by phenylalanine, an amino acid with highly dissimilar properties. This amino acid position is highly conserved in available vertebrate species. In addition, this alteration is predicted to be deleterious by in silico analysis. Since supporting evidence is limited at this time, the clinical significance of this alteration remains unclear.

Baylor Genetics
Classification: Uncertain significance for Lynch syndrome 4. Last evaluated: 2023-12-21. Review status: criteria provided, single submitter. Criteria: ACMG Guidelines, 2015. Collection method: clinical testing. Allele origin: unknown.

Labcorp Genetics (formerly Invitae), Labcorp
Classification: Uncertain significance for Hereditary nonpolyposis colorectal neoplasms. Last evaluated: 2023-11-17. Review status: criteria provided, single submitter. Criteria: Invitae Variant Classification Sherloc (09022015). Collection method: clinical testing. Allele origin: germline.
Comment: This sequence change replaces serine, which is neutral and polar, with phenylalanine, which is neutral and non-polar, at codon 809 of the PMS2 protein (p.Ser809Phe). The frequency data for this variant in the population databases (gnomAD) is considered unreliable due to the presence of homologous sequence, such as pseudogenes or paralogs, in the genome. This variant has not been reported in the literature in individuals affected with PMS2-related conditions. ClinVar contains an entry for this variant (Variation ID: 821250). Advanced modeling of protein sequence and biophysical properties (such as structural, functional, and spatial information, amino acid conservation, physicochemical variation, residue mobility, and thermodynamic stability) performed at Invitae indicates that this missense variant is expected to disrupt PMS2 protein function with a positive predictive value of 80%. In summary, the available evidence is currently insufficient to determine the role of this variant in disease. Therefore, it has been classified as a Variant of Uncertain Significance.

GeneDx
Classification: Uncertain significance. Last evaluated: 2019-11-22. Review status: criteria provided, single submitter. Criteria: GeneDx Variant Classification Process June 2021. Collection method: clinical testing. Allele origin: germline. Affected: yes.
Comment: Not observed in large population cohorts (Lek 2016); In silico analysis, which includes protein predictors and evolutionary conservation, supports a deleterious effect; Has not been previously published as pathogenic or benign to our knowledge

NM_000535.7(PMS2):c.2426C>T (p.Ser809Phe)

Gene: PMS2 (PMS1 homolog 2, mismatch repair system component; minus strand). Cytogenetic location: 7p22.1.
Variant type: single nucleotide variant.
Coding change: c.2426C>T on transcript NM_000535.7 (MANE Select); coding-DNA position 2426, C replaced by T.
Protein change: p.Ser809Phe; replaces serine 809 with phenylalanine.
Molecular consequence: missense variant. On other transcripts: non-coding transcript variant (1).
Genome position (GRCh38, 1-based): chr7:5,977,607, G>A on the plus strand (C>T on the coding strand, the complement: PMS2 is on the minus strand). VCF-style: chr7-5977607-G-A. GRCh37 (hg19) VCF-style: chr7-6017238-G-A.
Other names: c.2021C>T, p.Ser674Phe (NM_001322003.2, NM_001322004.2, NM_001322005.2); c.2270C>T, p.Ser757Phe (NM_001322006.2); c.2108C>T, p.Ser703Phe (NM_001322007.2, NM_001322008.2); c.2054C>T, p.Ser685Phe (NM_001322009.2); c.1865C>T, p.Ser622Phe (NM_001322010.2); c.1493C>T, p.Ser498Phe (NM_001322011.2, NM_001322012.2); c.1853C>T, p.Ser618Phe (NM_001322013.2); c.2459C>T, p.Ser820Phe (NM_001322014.2); and 1 more; short protein forms S757F, S820F, S618F, S706F, S809F, S498F, S685F, S622F.
Identifiers: ClinVar variation 821250 (VCV000821250.17), dbSNP rs1583279643, ClinGen allele CA366735590.